The following is an entry in ClinVar:

NM_031433.4(MFRP):c.465C>T (p.Phe155=)

Genes: C1QTNF5 (C1q and TNF related 5; minus strand), MFRP (membrane frizzled-related protein; minus strand). Cytogenetic location: 11q23.3.
Variant type: single nucleotide variant.
Coding change: c.465C>T on transcript NM_031433.4 (MANE Select); coding-DNA position 465, C replaced by T.
Protein change: p.Phe155=; no amino-acid change (phenylalanine 155 retained).
Molecular consequence: synonymous variant. On other transcripts: 5 prime UTR variant (1).
Genome position (GRCh38, 1-based): chr11:119,345,596, G>A on the plus strand (C>T on the coding strand, the complement: MFRP is on the minus strand). VCF-style: chr11-119345596-G-A. GRCh37 (hg19) VCF-style: chr11-119216306-G-A.
Other names: c.-2172C>T (NM_015645.5).
Identifiers: ClinVar variation 1570288 (VCV001570288.11), dbSNP rs748084228, ClinGen allele CA6320540.

ClinVar aggregate classification (germline): Likely benign. Review status: criteria provided, single submitter (1 of 4 stars). 2 submissions from 2 submitters: Likely benign (1). 1 of the submissions does not count toward it. Last evaluated 2024-02-02.

Conditions:
Isolated microphthalmia 5. Also called: Posterior Microphthalmia with Retinitis Pigmentosa, Foveoschisis, and Optic Disc Drusen. Identifiers: Orphanet 251279, MedGen C1970236, MONDO:0012605, OMIM 611040.
MFRP-related disorder. Also called: MFRP-related condition; MFRP-related disorders.

Allele frequency attached by ClinVar (database versions not stated): gnomAD 0.00001; gnomAD exomes below 0.00001 and 0.00003; TOPMed 0.00002; ExAC 0.00001.
gnomAD v4.1: 52 of 1,613,710 alleles (0.0032%); highest among the groups gnomAD compares: Non-Finnish European, 0.0043%; no homozygotes.

Submissions (2):

Labcorp Genetics (formerly Invitae), Labcorp
Classification: Likely benign for Isolated microphthalmia 5. Last evaluated: 2024-02-02. Review status: criteria provided, single submitter. Criteria: Invitae Variant Classification Sherloc (09022015). Collection method: clinical testing. Allele origin: germline.

PreventionGenetics, part of Exact Sciences
Classification: Likely benign for MFRP-related condition. Last evaluated: 2020-02-11. Review status: no assertion criteria provided. Collection method: clinical testing. Allele origin: germline. Not counted in ClinVar's aggregate classification.
Comment: This variant is classified as likely benign based on ACMG/AMP sequence variant interpretation guidelines (Richards et al. 2015 PMID: 25741868, with internal and published modifications).